The following is an entry in ClinVar:

NM_006073.4(TRDN):c.932-4C>G

Gene: TRDN (triadin; minus strand). Cytogenetic location: 6q22.31.
Variant type: single nucleotide variant.
Coding change: c.932-4C>G on transcript NM_006073.4 (MANE Select); 4 bases into the intron before coding-DNA position 932, C replaced by G.
Molecular consequence: intron variant.
Genome position (GRCh38, 1-based): chr6:123,439,007, G>C on the plus strand (C>G on the coding strand, the complement: TRDN is on the minus strand). VCF-style: chr6-123439007-G-C. GRCh37 (hg19) VCF-style: chr6-123760152-G-C.
Other names: p.?; c.932-4C>G (NM_001251987.2).
Identifiers: ClinVar variation 227124 (VCV000227124.29), dbSNP rs77768246, ClinGen allele CA3984193.

ClinVar aggregate classification (germline): Benign/Likely benign. Review status: criteria provided, multiple submitters, no conflicts (2 of 4 stars). 9 submissions from 9 submitters: Benign (6); Likely benign (1). 2 of the submissions do not count toward it. Last evaluated 2026-02-04.

Conditions:
Catecholaminergic polymorphic ventricular tachycardia 1. Also called: RYR2-Related Catecholaminergic Polymorphic Ventricular Tachycardia; VENTRICULAR TACHYCARDIA, STRESS-INDUCED POLYMORPHIC 1; VENTRICULAR TACHYCARDIA, CATECHOLAMINERGIC POLYMORPHIC, 1, WITH OR WITHOUT ATRIAL DYSFUNCTION AND/OR DILATED CARDIOMYOPATHY. Identifiers: Orphanet 3286, MedGen C1631597, MONDO:0011484, OMIM 604772.
Cardiovascular phenotype. Identifiers: MedGen CN230736.

Allele frequency attached by ClinVar (database versions not stated): ESP Exome Variant Server 0.00009; gnomAD 0.00098 and 0.00155; TOPMed 0.00181; gnomAD exomes 0.00298; ExAC 0.00427; 1000 Genomes Project 30x 0.00874; 1000 Genomes Project 0.00978.
gnomAD v4.1: 2,227 of 1,544,922 alleles (0.14%); highest among the groups gnomAD compares: East Asian, 4.5%; 52 homozygotes.

Submissions (9):

Labcorp Genetics (formerly Invitae), Labcorp
Classification: Benign for Catecholaminergic polymorphic ventricular tachycardia 1. Last evaluated: 2026-02-04. Review status: criteria provided, single submitter. Criteria: Invitae Variant Classification Sherloc (09022015). Collection method: clinical testing. Allele origin: germline.

Women's Health and Genetics/Laboratory Corporation of America, LabCorp
Classification: Benign. Last evaluated: 2025-05-30. Review status: criteria provided, single submitter. Criteria: LabCorp Variant Classification Summary - May 2015. Collection method: clinical testing. Allele origin: germline.

Blueprint Genetics
Classification: Likely benign. Last evaluated: 2024-11-21. Review status: criteria provided, single submitter. Criteria: ACMG Guidelines, 2015. Collection method: clinical testing. Allele origin: germline.

Mayo Clinic Laboratories, Mayo Clinic
Classification: Benign. Last evaluated: 2024-10-29. Review status: criteria provided, single submitter. Criteria: ACMG Guidelines, 2015. Collection method: clinical testing. Allele origin: germline. Observed: 2 variant alleles.
Comment: BS1, BS2, BP4, BP7

GeneDx
Classification: Benign. Last evaluated: 2017-04-25. Review status: criteria provided, single submitter. Criteria: GeneDx Variant Classification (06012015). Collection method: clinical testing. Allele origin: germline. Affected: yes.
Comment: This variant is considered likely benign or benign based on one or more of the following criteria: it is a conservative change, it occurs at a poorly conserved position in the protein, it is predicted to be benign by multiple in silico algorithms, and/or has population frequency not consistent with disease.

Ambry Genetics
Classification: Benign for Cardiovascular phenotype. Last evaluated: 2016-02-01. Review status: criteria provided, single submitter. Criteria: Ambry Variant Classification Scheme 2023. Collection method: clinical testing. Allele origin: germline.

Laboratory for Molecular Medicine, Mass General Brigham Personalized Medicine
Classification: Benign. Last evaluated: 2014-11-24. Review status: criteria provided, single submitter. Criteria: LMM Criteria. Collection method: clinical testing. Allele origin: germline. Observed: 2 variant alleles.
Comment: 932-4C>G in intron 10 of TRDN: This variant is not expected to have clinical sig nificance because it is not located within the conserved splice consensus sequen ce. It has been identified in 5.6% (10/178) of Japanese chromosomes from a broad population by the 1000 Genomes Project (P; dbSNP rs77768246).

Clinical Genetics, Academic Medical Center
Classification: Benign. Review status: no assertion criteria provided. Collection method: clinical testing. Allele origin: germline. Affected: yes. Study: VKGL Data-share Consensus. Not counted in ClinVar's aggregate classification.

Joint Genome Diagnostic Labs from Nijmegen and Maastricht, Radboudumc and MUMC+
Classification: Benign. Review status: no assertion criteria provided. Collection method: clinical testing. Allele origin: germline. Affected: yes. Study: VKGL Data-share Consensus. Not counted in ClinVar's aggregate classification.